The following is an entry in ClinVar:

NM_015450.3(POT1):c.295T>C (p.Ser99Pro)

Gene: POT1 (protection of telomeres 1; minus strand). Cytogenetic location: 7q31.33.
Variant type: single nucleotide variant.
Coding change: c.295T>C on transcript NM_015450.3 (MANE Select); coding-DNA position 295, T replaced by C.
Protein change: p.Ser99Pro; replaces serine 99 with proline.
Molecular consequence: missense variant. On other transcripts: 5 prime UTR variant (1), non-coding transcript variant (3).
Genome position (GRCh38, 1-based): chr7:124,863,601, A>G on the plus strand (T>C on the coding strand, the complement: POT1 is on the minus strand). VCF-style: chr7-124863601-A-G. GRCh37 (hg19) VCF-style: chr7-124503655-A-G.
Other names: c.-99T>C (NM_001042594.2); short protein forms S99P.
Identifiers: ClinVar variation 1798162 (VCV001798162.6), dbSNP rs2485481376, ClinGen allele CA369060341.
Genomic context (GRCh38, chr7:124,863,601, plus strand): 5'-AAGTGCGAGGTATGATAGGGGCTCCCAAAGTTCCCTCAAACGTCAAAGATGCAAAGCCAG[A>G]GCTGGTGATACCCTGAGTCTCCTTTTTATATACTTGAATCTAAGAAAGTAGGGCAAAGTA-3'
Protein context (NP_056265.2, residues 89-109): YKKETQGITS[Ser99Pro]GFASLTFEGT

ClinVar aggregate classification (germline): Conflicting classifications of pathogenicity. Review status: criteria provided, conflicting classifications (1 of 4 stars). 2 submissions from 2 submitters: Uncertain significance (1); Likely benign (1). Last evaluated 2024-12-19.

Conditions:
Tumor predisposition syndrome 3 (TPDS3). Also called: Glioma susceptibility 9; LONG TELOMERE SYNDROME, POT1-RELATED; POT1 Tumor Predisposition; Melanoma, cutaneous malignant, susceptibility to, 10. Identifiers: Orphanet 618, MedGen C4014476, MONDO:0014368, OMIM 615848.
Hereditary cancer-predisposing syndrome. Also called: Tumor predisposition; Neoplastic Syndromes, Hereditary; Hereditary Cancer Syndrome; Hereditary neoplastic syndrome. Identifiers: Orphanet 140162, MedGen C0027672, MeSH D009386, MONDO:0015356.

Allele frequency attached by ClinVar (database versions not stated): gnomAD exomes below 0.00001.
gnomAD v4.1: 2 of 1,613,794 alleles (0.00012%); highest among the groups gnomAD compares: Non-Finnish European, 0.00017%; no homozygotes.

Submissions (2):

Ambry Genetics
Classification: Likely benign for Hereditary cancer-predisposing syndrome. Last evaluated: 2024-12-19. Review status: criteria provided, single submitter. Criteria: Ambry Variant Classification Scheme 2023. Collection method: clinical testing. Allele origin: germline.

Labcorp Genetics (formerly Invitae), Labcorp
Classification: Uncertain significance for Tumor predisposition syndrome 3. Last evaluated: 2023-01-22. Review status: criteria provided, single submitter. Criteria: Invitae Variant Classification Sherloc (09022015). Collection method: clinical testing. Allele origin: germline.
Comment: This variant has not been reported in the literature in individuals affected with POT1-related conditions. This variant is not present in population databases (gnomAD no frequency). This sequence change replaces serine, which is neutral and polar, with proline, which is neutral and non-polar, at codon 99 of the POT1 protein (p.Ser99Pro). ClinVar contains an entry for this variant (Variation ID: 1798162). In summary, the available evidence is currently insufficient to determine the role of this variant in disease. Therefore, it has been classified as a Variant of Uncertain Significance. Advanced modeling of protein sequence and biophysical properties (such as structural, functional, and spatial information, amino acid conservation, physicochemical variation, residue mobility, and thermodynamic stability) performed at Invitae indicates that this missense variant is not expected to disrupt POT1 protein function.